The following is an entry in ClinVar:

ClinVar aggregate classification (germline): Pathogenic. Review status: criteria provided, multiple submitters, no conflicts (2 of 4 stars). 5 submissions from 5 submitters: Pathogenic (5). Last evaluated 2023-11-04.

Conditions:
USH2A-related disorder. Also called: USH2A-related condition; USH2A-related disorders. Identifiers: MedGen CN239332.
Retinitis pigmentosa 39 (RP39). Identifiers: Orphanet 791, MedGen C3151138, MONDO:0013436, OMIM 613809.
Retinal dystrophy. Also called: Inherited retinal dystrophy. Identifiers: Orphanet 71862, MedGen C0854723, MeSH D058499, MONDO:0019118, HP:0000556.

Submissions (5):

Genome-Nilou Lab
Classification: Pathogenic for Retinitis pigmentosa 39. Last evaluated: 2023-11-04. Review status: criteria provided, single submitter. Criteria: ACMG Guidelines, 2015. Collection method: clinical testing. Allele origin: germline. Affected: no.

Baylor Genetics
Classification: Pathogenic for Retinitis pigmentosa 39. Last evaluated: 2023-04-08. Review status: criteria provided, single submitter. Criteria: ACMG Guidelines, 2015. Collection method: clinical testing. Allele origin: unknown.

Blueprint Genetics
Classification: Pathogenic for USH2A-related disorders. Last evaluated: 2022-05-24. Review status: criteria provided, single submitter. Criteria: ACMG Guidelines, 2015. Collection method: clinical testing. Allele origin: germline. Affected: yes. Observed: 5 variant alleles.

Labcorp Genetics (formerly Invitae), Labcorp
Classification: Pathogenic. Last evaluated: 2022-05-17. Review status: criteria provided, single submitter. Criteria: Invitae Variant Classification Sherloc (09022015). Collection method: clinical testing. Allele origin: germline.
Comment: This sequence change creates a premature translational stop signal (p.Ser259Phefs*63) in the USH2A gene. It is expected to result in an absent or disrupted protein product. Loss-of-function variants in USH2A are known to be pathogenic (PMID: 10729113, 10909849, 20507924, 25649381). This variant is not present in population databases (gnomAD no frequency). This premature translational stop signal has been observed in individual(s) with Usher syndrome (PMID: 15325563). ClinVar contains an entry for this variant (Variation ID: 866168). For these reasons, this variant has been classified as Pathogenic.

Institute of Human Genetics, Univ. Regensburg, Univ. Regensburg
Classification: Pathogenic for Retinal dystrophy. Last evaluated: 2010-01-01. Review status: criteria provided, single submitter. Criteria: ACMG Guidelines, 2015. Collection method: clinical testing. Allele origin: germline. Affected: yes.

Literature cited by the submitters: PubMed 10729113 (cited by Labcorp Genetics (formerly Invitae), Labcorp); PubMed 10909849 (cited by Labcorp Genetics (formerly Invitae), Labcorp); PubMed 20507924 (cited by Labcorp Genetics (formerly Invitae), Labcorp); PubMed 25649381 (cited by Labcorp Genetics (formerly Invitae), Labcorp); PubMed 15325563 (cited by Labcorp Genetics (formerly Invitae), Labcorp and Institute of Human Genetics, Univ. Regensburg, Univ. Regensburg); PubMed 34948090 (cited by Institute of Human Genetics, Univ. Regensburg, Univ. Regensburg); PubMed 35266249 (cited by Institute of Human Genetics, Univ. Regensburg, Univ. Regensburg).

NM_206933.4(USH2A):c.775_776del (p.Ser259fs)

Gene: USH2A (usherin; minus strand). Cytogenetic location: 1q41.
Variant type: Microsatellite.
Coding change: c.775_776del on transcript NM_206933.4 (MANE Select); coding-DNA positions 775 to 776, 2 bases deleted (AG; older notation c.775_776delAG).
Protein change: p.Ser259fs; shifts the reading frame from serine 259.
Molecular consequence: frameshift variant.
Genome position (GRCh38, 1-based): chr1:216,364,961-216,364,962, CT deleted on the plus strand (AG on the coding strand, the reverse complement: USH2A is on the minus strand); deleting any 2 consecutive bases within chr1:216,364,961-216,364,964 gives the same sequence; the c. name uses the placement nearest the transcript's 3' end. VCF-style (leftmost placement, unchanged base first): chr1-216364960-ACT-A. GRCh37 (hg19) VCF-style: chr1-216538302-ACT-A.
Other names: c.775_776del, p.Ser259fs (NM_007123.6); short protein forms S259fs.
Identifiers: ClinVar variation 866168 (VCV000866168.13), dbSNP rs2038566220, ClinGen allele CA916082155.